The following is an entry in ClinVar:

ClinVar aggregate classification (germline): Likely benign (1 of 4 stars; one submission).

Conditions:
TF-related disorder. Also called: TF-related condition.

Submission:

PreventionGenetics, part of Exact Sciences
Classification: Likely benign for TF-related condition. Last evaluated: 2024-10-11. Review status: criteria provided, single submitter. Criteria: ACMG Guidelines, 2015. Collection method: clinical testing. Allele origin: germline.
Comment: This variant is classified as likely benign based on ACMG/AMP sequence variant interpretation guidelines (Richards et al. 2015 PMID: 25741868, with internal and published modifications).

NM_001063.4(TF):c.1049-9A>C

Gene: TF (transferrin; plus strand). Cytogenetic location: 3q22.1.
Variant type: single nucleotide variant.
Coding change: c.1049-9A>C on transcript NM_001063.4 (MANE Select); 9 bases into the intron before coding-DNA position 1049, A replaced by C.
Molecular consequence: intron variant.
Genome position (GRCh38, 1-based): chr3:133,759,166, A>C. VCF-style: chr3-133759166-A-C. GRCh37 (hg19) VCF-style: chr3-133478010-A-C.
Other names: c.917-9A>C (NM_001354703.2); c.668-9A>C (NM_001354704.2).
Identifiers: ClinVar variation 4982009 (VCV004982009.1).